The following is an entry in ClinVar:

ClinVar aggregate classification (germline): Uncertain significance. Review status: criteria provided, multiple submitters, no conflicts (2 of 4 stars). 2 submissions from 2 submitters: Uncertain significance (2). Last evaluated 2022-08-03.

Conditions:
Mitochondrial DNA depletion syndrome, encephalomyopathic form with methylmalonic aciduria (MTDPS5). Also called: Mitochondrial encephalomyopathy aminoacidopathy; MITOCHONDRIAL DNA DEPLETION SYNDROME, ENCEPHALOMYOPATHIC FORM, WITH OR WITHOUT METHYLMALONIC ACIDURIA, AUTOSOMAL RECESSIVE, SUCLA2-RELATED; Mitochondrial DNA depletion syndrome 5 (encephalomyopathic with or without methylmalonic aciduria); SUCLA2-Related Mitochondrial DNA Depletion Syndrome, Encephalomyopathic Form with Methylmalonic Aciduria. Identifiers: Orphanet 1933, MedGen C5980207, MONDO:0012791, OMIM 612073.

Allele frequency attached by ClinVar (database versions not stated): gnomAD exomes below 0.00001; TOPMed below 0.00001; gnomAD 0.00001.
gnomAD v4.1: 5 of 1,601,566 alleles (0.00031%); highest among the groups gnomAD compares: East Asian, 0.0023%; no homozygotes.

Submissions (2):

GeneDx
Classification: Uncertain significance. Last evaluated: 2022-08-03. Review status: criteria provided, single submitter. Criteria: GeneDx Variant Classification Process June 2021. Collection method: clinical testing. Allele origin: germline. Affected: yes.
Comment: Not observed at significant frequency in large population cohorts (gnomAD); In silico analysis supports that this missense variant does not alter protein structure/function; Has not been previously published as pathogenic or benign to our knowledge

Labcorp Genetics (formerly Invitae), Labcorp
Classification: Uncertain significance for Mitochondrial DNA depletion syndrome, encephalomyopathic form with methylmalonic aciduria. Last evaluated: 2021-07-27. Review status: criteria provided, single submitter. Criteria: Invitae Variant Classification Sherloc (09022015). Collection method: clinical testing. Allele origin: germline.
Comment: This variant has not been reported in the literature in individuals affected with SUCLA2-related conditions. Algorithms developed to predict the effect of missense changes on protein structure and function (SIFT, PolyPhen-2, Align-GVGD) all suggest that this variant is likely to be tolerated. In summary, the available evidence is currently insufficient to determine the role of this variant in disease. Therefore, it has been classified as a Variant of Uncertain Significance. This variant is not present in population databases (ExAC no frequency). This sequence change replaces alanine with valine at codon 3 of the SUCLA2 protein (p.Ala3Val). The alanine residue is moderately conserved and there is a small physicochemical difference between alanine and valine.

NM_003850.3(SUCLA2):c.8C>T (p.Ala3Val)

Gene: SUCLA2 (succinate-CoA ligase ADP-forming subunit beta; minus strand). Cytogenetic location: 13q14.2.
Variant type: single nucleotide variant.
Coding change: c.8C>T on transcript NM_003850.3 (MANE Select); coding-DNA position 8, C replaced by T.
Protein change: p.Ala3Val; replaces alanine 3 with valine.
Molecular consequence: missense variant.
Genome position (GRCh38, 1-based): chr13:48,001,262, G>A on the plus strand (C>T on the coding strand, the complement: SUCLA2 is on the minus strand). VCF-style: chr13-48001262-G-A. GRCh37 (hg19) VCF-style: chr13-48575398-G-A.
Other names: c.8C>T (NM_003850.2); short protein forms A3V.
Identifiers: ClinVar variation 1367972 (VCV001367972.10), dbSNP rs1250302678, ClinGen allele CA388155521.